The following is an entry in ClinVar:

ClinVar aggregate classification (germline): Uncertain significance (1 of 4 stars; one submission).

Submission:

GeneDx
Classification: Uncertain significance. Last evaluated: 2025-12-17. Review status: criteria provided, single submitter. Criteria: GeneDx Variant Classification Process June 2021. Collection method: clinical testing. Allele origin: germline.
Comment: Not observed at significant frequency in large population cohorts (gnomAD); In silico analysis suggests that this missense variant does not alter protein structure/function; Has not been previously published as pathogenic or benign to our knowledge

NM_004780.3(TCEAL1):c.68C>G (p.Pro23Arg)

Gene: TCEAL1 (transcription elongation factor A like 1; plus strand). Cytogenetic location: Xq22.2.
Variant type: single nucleotide variant.
Coding change: c.68C>G on transcript NM_004780.3 (MANE Select); coding-DNA position 68, C replaced by G.
Protein change: p.Pro23Arg; replaces proline 23 with arginine.
Molecular consequence: missense variant.
Genome position (GRCh38, 1-based): chrX:103,629,984, C>G. VCF-style: chrX-103629984-C-G. GRCh37 (hg19) VCF-style: chrX-102884912-C-G.
Other names: c.68C>G, p.Pro23Arg (NM_001006639.2, NM_001006640.2); short protein forms P23R.
Identifiers: ClinVar variation 4527556 (VCV004527556.2).
Genomic context (GRCh38, chrX:103,629,984, plus strand): 5'-AACCACGCAAAGAAAATGAAGAAGAGCCGCAGAGCGCGCCCAAGACCGATGAGGAGAGGC[C>G]TCCGGTGGAGCACTCTCCCGAAAAGCAGTCCCCCGAGGAGCAGTCTTCGGAGGAGCAGTC-3'
Protein context (NP_004771.2, residues 13-33): QSAPKTDEER[Pro23Arg]PVEHSPEKQS